The following is an entry in ClinVar:

ClinVar aggregate classification (germline): Uncertain significance (1 of 4 stars; one submission).

Conditions:
Inborn genetic diseases. Identifiers: MedGen C0950123, MeSH D030342.

Allele frequency attached by ClinVar (database versions not stated): gnomAD exomes below 0.00001; gnomAD 0.00001.
gnomAD v4.1: 4 of 1,547,022 alleles (0.00026%); highest among the groups gnomAD compares: South Asian, 0.0012%; no homozygotes.

Submission:

Ambry Genetics
Classification: Uncertain significance for Inborn genetic diseases. Last evaluated: 2022-01-10. Review status: criteria provided, single submitter. Criteria: Ambry Variant Classification Scheme 2023. Collection method: clinical testing. Allele origin: germline.
Comment: The p.I543V variant (also known as c.1627A>G), located in coding exon 11 of the LTBP3 gene, results from an A to G substitution at nucleotide position 1627. The isoleucine at codon 543 is replaced by valine, an amino acid with highly similar properties. This amino acid position is conserved. In addition, this alteration is predicted to be tolerated by in silico analysis. Since supporting evidence is limited at this time, the clinical significance of this alteration remains unclear.

NM_001130144.3(LTBP3):c.1627A>G (p.Ile543Val)

Gene: LTBP3 (latent transforming growth factor beta binding protein 3; minus strand). Cytogenetic location: 11q13.1.
Variant type: single nucleotide variant.
Coding change: c.1627A>G on transcript NM_001130144.3 (MANE Select); coding-DNA position 1627, A replaced by G.
Protein change: p.Ile543Val; replaces isoleucine 543 with valine.
Molecular consequence: missense variant.
Genome position (GRCh38, 1-based): chr11:65,551,219, T>C on the plus strand (A>G on the coding strand, the complement: LTBP3 is on the minus strand). VCF-style: chr11-65551219-T-C. GRCh37 (hg19) VCF-style: chr11-65318690-T-C.
Other names: c.1276A>G, p.Ile426Val (NM_001164266.1); c.1627A>G, p.Ile543Val (NM_021070.4); short protein forms I543V, I426V.
Identifiers: ClinVar variation 1776719 (VCV001776719.2), dbSNP rs1384062185, ClinGen allele CA381272807.